The following is an entry in ClinVar:

NM_000246.4(CIITA):c.565G>A (p.Ala189Thr)

Gene: CIITA (class II major histocompatibility complex transactivator; plus strand). Cytogenetic location: 16p13.13.
Variant type: single nucleotide variant.
Coding change: c.565G>A on transcript NM_000246.4 (MANE Select); coding-DNA position 565, G replaced by A.
Protein change: p.Ala189Thr; replaces alanine 189 with threonine.
Molecular consequence: missense variant. On other transcripts: non-coding transcript variant (1), intron variant (3).
Genome position (GRCh38, 1-based): chr16:10,902,121, G>A. VCF-style: chr16-10902121-G-A. GRCh37 (hg19) VCF-style: chr16-10995978-G-A.
Other names: c.568G>A, p.Ala190Thr (NM_001286402.1, NM_001379332.1); c.565G>A, p.Ala189Thr (NM_001379333.1); c.496G>A, p.Ala166Thr (NM_001379334.1); c.485-537G>A (NM_001379330.1); c.482-537G>A (NM_001379331.1, NM_001286403.2); short protein forms A189T, A190T, A166T.
Identifiers: ClinVar variation 574533 (VCV000574533.10), dbSNP rs370429955, ClinGen allele CA7899809.

ClinVar aggregate classification (germline): Uncertain significance. Review status: criteria provided, single submitter (1 of 4 stars). 2 submissions from 2 submitters: Uncertain significance (1). 1 of the submissions does not count toward it. Last evaluated 2022-08-31.

Conditions:
MHC class II deficiency. Also called: Bare lymphocyte syndrome 2; BLS, TYPE II. Identifiers: Orphanet 572, MedGen C5447452, MONDO:0008855.

Allele frequency attached by ClinVar (database versions not stated): gnomAD exomes 0.00001 and 0.00002; ExAC 0.00002; gnomAD 0.00002 and 0.00003; TOPMed 0.00002; ESP Exome Variant Server 0.00008.
gnomAD v4.1: 23 of 1,614,086 alleles (0.0014%); highest among the groups gnomAD compares: African/African-American, 0.0053%; no homozygotes.

Submissions (2):

Labcorp Genetics (formerly Invitae), Labcorp
Classification: Uncertain significance for MHC class II deficiency. Last evaluated: 2022-08-31. Review status: criteria provided, single submitter. Criteria: Invitae Variant Classification Sherloc (09022015). Collection method: clinical testing. Allele origin: germline.
Comment: This sequence change replaces alanine, which is neutral and non-polar, with threonine, which is neutral and polar, at codon 189 of the CIITA protein (p.Ala189Thr). This variant is present in population databases (rs370429955, gnomAD 0.007%). This variant has not been reported in the literature in individuals affected with CIITA-related conditions. ClinVar contains an entry for this variant (Variation ID: 574533). Algorithms developed to predict the effect of missense changes on protein structure and function output the following: SIFT: "Tolerated"; PolyPhen-2: "Benign"; Align-GVGD: "Class C0". The threonine amino acid residue is found in multiple mammalian species, which suggests that this missense change does not adversely affect protein function. In summary, the available evidence is currently insufficient to determine the role of this variant in disease. Therefore, it has been classified as a Variant of Uncertain Significance.

Natera, Inc.
Classification: Uncertain significance for Bare lymphocyte syndrome type II. Last evaluated: 2019-10-28. Review status: no assertion criteria provided. Collection method: clinical testing. Allele origin: germline. Not counted in ClinVar's aggregate classification.